The following is an entry in ClinVar:

ClinVar aggregate classification (germline): Uncertain significance. Review status: criteria provided, multiple submitters, no conflicts (2 of 4 stars). 2 submissions from 2 submitters: Uncertain significance (2). Last evaluated 2024-09-10.

gnomAD v4.1: 3 of 1,614,118 alleles (0.00019%); highest among the groups gnomAD compares: Admixed American, 0.0033%; no homozygotes.

Submissions (2):

Blueprint Genetics
Classification: Uncertain significance. Last evaluated: 2024-09-10. Review status: criteria provided, single submitter. Criteria: ACMG Guidelines, 2015. Collection method: clinical testing. Allele origin: germline.

Labcorp Genetics (formerly Invitae), Labcorp
Classification: Uncertain significance. Last evaluated: 2024-06-22. Review status: criteria provided, single submitter. Criteria: Invitae Variant Classification Sherloc (09022015). Collection method: clinical testing. Allele origin: germline.
Comment: This sequence change replaces histidine, which is basic and polar, with aspartic acid, which is acidic and polar, at codon 9 of the PDSS2 protein (p.His9Asp). This variant is present in population databases (no rsID available, gnomAD 0.006%). This variant has not been reported in the literature in individuals affected with PDSS2-related conditions. An algorithm developed to predict the effect of missense changes on protein structure and function (PolyPhen-2) suggests that this variant is likely to be tolerated. In summary, the available evidence is currently insufficient to determine the role of this variant in disease. Therefore, it has been classified as a Variant of Uncertain Significance.

NM_020381.4(PDSS2):c.25C>G (p.His9Asp)

Gene: PDSS2 (decaprenyl diphosphate synthase subunit 2; minus strand). Cytogenetic location: 6q21.
Variant type: single nucleotide variant.
Coding change: c.25C>G on transcript NM_020381.4 (MANE Select); coding-DNA position 25, C replaced by G.
Protein change: p.His9Asp; replaces histidine 9 with aspartic acid.
Molecular consequence: missense variant.
Genome position (GRCh38, 1-based): chr6:107,459,261, G>C on the plus strand (C>G on the coding strand, the complement: PDSS2 is on the minus strand). VCF-style: chr6-107459261-G-C. GRCh37 (hg19) VCF-style: chr6-107780465-G-C.
Other names: short protein forms H9D.
Identifiers: ClinVar variation 3615537 (VCV003615537.3).